The following is an entry in ClinVar:

ClinVar aggregate classification (germline): Uncertain significance. Review status: criteria provided, multiple submitters, no conflicts (2 of 4 stars). 4 submissions from 4 submitters: Uncertain significance (4). Last evaluated 2024-07-09.

Conditions:
Inborn genetic diseases. Identifiers: MedGen C0950123, MeSH D030342.
Cortical dysplasia-focal epilepsy syndrome (PTHSL1). Also called: Pitt-Hopkins-like syndrome 1. Identifiers: Orphanet 163681, Orphanet 221150, MedGen C2750246, MONDO:0012400, OMIM 610042.

Allele frequency attached by ClinVar (database versions not stated): TOPMed 0.00005; gnomAD 0.00006; ExAC 0.00011.
gnomAD v4.1: 158 of 1,613,864 alleles (0.0098%); highest among the groups gnomAD compares: Non-Finnish European, 0.0088%; no homozygotes.

Submissions (4):

Blueprint Genetics
Classification: Uncertain significance. Last evaluated: 2024-07-09. Review status: criteria provided, single submitter. Criteria: ACMG Guidelines, 2015. Collection method: clinical testing. Allele origin: germline.

Labcorp Genetics (formerly Invitae), Labcorp
Classification: Uncertain significance for Cortical dysplasia-focal epilepsy syndrome. Last evaluated: 2022-07-26. Review status: criteria provided, single submitter. Criteria: Invitae Variant Classification Sherloc (09022015). Collection method: clinical testing. Allele origin: germline.
Comment: This sequence change replaces arginine, which is basic and polar, with cysteine, which is neutral and slightly polar, at codon 790 of the CNTNAP2 protein (p.Arg790Cys). This variant is present in population databases (rs200089329, gnomAD 0.06%). This variant has not been reported in the literature in individuals affected with CNTNAP2-related conditions. ClinVar contains an entry for this variant (Variation ID: 205265). Algorithms developed to predict the effect of missense changes on protein structure and function (SIFT, PolyPhen-2, Align-GVGD) all suggest that this variant is likely to be disruptive. Algorithms developed to predict the effect of sequence changes on RNA splicing suggest that this variant may disrupt the consensus splice site. In summary, the available evidence is currently insufficient to determine the role of this variant in disease. Therefore, it has been classified as a Variant of Uncertain Significance.

GeneDx
Classification: Uncertain significance. Last evaluated: 2022-07-18. Review status: criteria provided, single submitter. Criteria: GeneDx Variant Classification Process June 2021. Collection method: clinical testing. Allele origin: germline. Affected: yes.
Comment: In silico analysis supports that this missense variant has a deleterious effect on protein structure/function; In-silico analysis is inconclusive as to whether the variant alters gene splicing. In the absence of RNA/functional studies, the actual effect of this sequence change is unknown.; Has not been previously published as pathogenic or benign to our knowledge

Ambry Genetics
Classification: Uncertain significance for Inborn genetic diseases. Last evaluated: 2017-12-27. Review status: criteria provided, single submitter. Criteria: Ambry Variant Classification Scheme 2023. Collection method: clinical testing. Allele origin: germline.
Comment: The p.R790C variant (also known as c.2368C>T), located in coding exon 15 of the CNTNAP2 gene, results from a C to T substitution at nucleotide position 2368. The arginine at codon 790 is replaced by cysteine, an amino acid with highly dissimilar properties. This amino acid position is highly conserved in available vertebrate species. In addition, the in silico prediction for this alteration is inconclusive. Since supporting evidence is limited at this time, the clinical significance of this alteration remains unclear.

NM_014141.6(CNTNAP2):c.2368C>T (p.Arg790Cys)

Gene: CNTNAP2 (contactin associated protein 2; plus strand). Cytogenetic location: 7q35.
Variant type: single nucleotide variant.
Coding change: c.2368C>T on transcript NM_014141.6 (MANE Select); coding-DNA position 2368, C replaced by T.
Protein change: p.Arg790Cys; replaces arginine 790 with cysteine.
Molecular consequence: missense variant.
Genome position (GRCh38, 1-based): chr7:147,977,974, C>T. VCF-style: chr7-147977974-C-T. GRCh37 (hg19) VCF-style: chr7-147675066-C-T.
Other names: p.R790C:CGC>TGC; short protein forms R790C.
Identifiers: ClinVar variation 205265 (VCV000205265.13), dbSNP rs200089329, ClinGen allele CA314164.